The following is an entry in ClinVar:

NM_000059.4(BRCA2):c.1850delinsTGA (p.Ser617fs)

Gene: BRCA2 (BRCA2 DNA repair associated; plus strand). Cytogenetic location: 13q13.1.
Variant type: Indel.
Coding change: c.1850delinsTGA on transcript NM_000059.4 (MANE Select); coding-DNA position 1850, C replaced by TGA.
Protein change: p.Ser617fs; shifts the reading frame from serine 617.
Molecular consequence: frameshift variant. On other transcripts: non-coding transcript variant (1), intron variant (1).
Genome position (GRCh38, 1-based): chr13:32,333,328, C replaced by TGA. VCF-style: chr13-32333328-C-TGA. GRCh37 (hg19) VCF-style: chr13-32907465-C-TGA.
Other names: c.1850delinsTGA, p.Ser617fs (NM_001406719.1, NM_001406720.1, NM_001406721.1); c.424+2298delinsTGA (NM_001406722.1); short protein forms S617fs.
Identifiers: ClinVar variation 3148710 (VCV003148710.2), dbSNP rs2548521167, ClinGen allele CA2825002126.

ClinVar aggregate classification (germline): Pathogenic. Review status: criteria provided, multiple submitters, no conflicts (2 of 4 stars). 2 submissions from 2 submitters: Pathogenic (2). Last evaluated 2025-04-30.

Conditions:
Breast-ovarian cancer, familial, susceptibility to, 2 (BROVCA2). Also called: BRCA2 Hereditary Breast and Ovarian Cancer. Identifiers: Orphanet 145, MedGen C2675520, MONDO:0012933, OMIM 612555. Disease mechanism: loss of function.
Hereditary cancer-predisposing syndrome. Also called: Tumor predisposition; Hereditary Cancer Syndrome; Hereditary neoplastic syndrome; Neoplastic Syndromes, Hereditary. Identifiers: Orphanet 140162, MedGen C0027672, MeSH D009386, MONDO:0015356.

Submissions (2):

Ambry Genetics
Classification: Pathogenic for Hereditary cancer-predisposing syndrome. Last evaluated: 2025-04-30. Review status: criteria provided, single submitter. Criteria: Ambry Variant Classification Scheme 2023. Collection method: clinical testing. Allele origin: germline.
Comment: The c.1850delCinsTGA pathogenic mutation, located in coding exon 9 of the BRCA2 gene, results from the deletion of one nucleotide and insertion of 3 nucleotides causing a translational frameshift with a predicted alternate stop codon (p.S617Lfs*28). This alteration is expected to result in loss of function by premature protein truncation or nonsense-mediated mRNA decay. As such, this alteration is interpreted as a disease-causing mutation.

Myriad Genetics, Inc.
Classification: Pathogenic for Breast-ovarian cancer, familial, susceptibility to, 2. Last evaluated: 2024-02-27. Review status: criteria provided, single submitter. Criteria: Myriad Autosomal Dominant, Autosomal Recessive and X-Linked Classification Criteria (2023). Collection method: clinical testing. Allele origin: unknown.
Comment: This variant is considered pathogenic. This variant creates a frameshift predicted to result in premature protein truncation.